The following is an entry in ClinVar:

NM_000535.7(PMS2):c.922G>A (p.Glu308Lys)

Gene: PMS2 (PMS1 homolog 2, mismatch repair system component; minus strand). Cytogenetic location: 7p22.1.
Variant type: single nucleotide variant.
Coding change: c.922G>A on transcript NM_000535.7 (MANE Select); coding-DNA position 922, G replaced by A.
Protein change: p.Glu308Lys; replaces glutamic acid 308 with lysine.
Molecular consequence: missense variant. On other transcripts: 5 prime UTR variant (2), non-coding transcript variant (1).
Genome position (GRCh38, 1-based): chr7:5,992,039, C>T on the plus strand (G>A on the coding strand, the complement: PMS2 is on the minus strand). VCF-style: chr7-5992039-C-T. GRCh37 (hg19) VCF-style: chr7-6031670-C-T.
Other names: c.517G>A, p.Glu173Lys (NM_001322003.2, NM_001322004.2, NM_001322005.2 and 2 more transcripts); c.922G>A, p.Glu308Lys (NM_001322006.2, NM_001322014.2); c.604G>A, p.Glu202Lys (NM_001322007.2, NM_001322008.2); c.-12G>A (NM_001322011.2, NM_001322012.2); c.349G>A, p.Glu117Lys (NM_001322013.2); c.613G>A, p.Glu205Lys (NM_001322015.2); short protein forms E308K, E202K, E205K, E117K, E173K.
Identifiers: ClinVar variation 140902 (VCV000140902.24), dbSNP rs587781358, ClinGen allele CA013282.

ClinVar aggregate classification (germline): Uncertain significance. Review status: criteria provided, multiple submitters, no conflicts (2 of 4 stars). 8 submissions from 8 submitters: Uncertain significance (8). Last evaluated 2026-02-16.

Conditions:
Hereditary nonpolyposis colorectal neoplasms. Identifiers: MedGen C0009405, MeSH D003123.
Hereditary cancer-predisposing syndrome. Also called: Neoplastic Syndromes, Hereditary; Hereditary neoplastic syndrome; Tumor predisposition; Hereditary Cancer Syndrome. Identifiers: Orphanet 140162, MedGen C0027672, MeSH D009386, MONDO:0015356.

Allele frequency attached by ClinVar (database versions not stated): TOPMed 0.00001.

Submissions (8):

Ambry Genetics
Classification: Uncertain significance for Hereditary cancer-predisposing syndrome. Last evaluated: 2026-02-16. Review status: criteria provided, single submitter. Criteria: Ambry Variant Classification Scheme 2023. Collection method: clinical testing. Allele origin: germline.

Labcorp Genetics (formerly Invitae), Labcorp
Classification: Uncertain significance for Hereditary nonpolyposis colorectal neoplasms. Last evaluated: 2026-01-10. Review status: criteria provided, single submitter. Criteria: Invitae Variant Classification Sherloc (09022015). Collection method: clinical testing. Allele origin: germline.
Comment: This sequence change replaces glutamic acid, which is acidic and polar, with lysine, which is basic and polar, at codon 308 of the PMS2 protein (p.Glu308Lys). This variant is not present in population databases (gnomAD no frequency). This missense change has been observed in individual(s) with colon polyps and/or colorectal cancer (PMID: 31422818). ClinVar contains an entry for this variant (Variation ID: 140902). Invitae Evidence Modeling incorporating data from in vitro experimental studies (internal data) indicates that this missense variant is not expected to disrupt PMS2 function with a negative predictive value of 95%. In summary, the available evidence is currently insufficient to determine the role of this variant in disease. Therefore, it has been classified as a Variant of Uncertain Significance.

Quest Diagnostics Nichols Institute San Juan Capistrano
Classification: Uncertain significance. Last evaluated: 2025-03-25. Review status: criteria provided, single submitter. Criteria: Quest Diagnostics criteria. Collection method: clinical testing. Allele origin: unknown.

Sema4
Classification: Uncertain significance for Hereditary cancer-predisposing syndrome. Last evaluated: 2021-11-24. Review status: criteria provided, single submitter. Criteria: Sema4 Curation Guidelines. Collection method: curation. Allele origin: germline.
Comment: The PMS2 c.922G>A (p.E308K) variant has been reported in a case-control study of patients with colorectal cancer and/or polyps, however it is unclear if this variant was identified in a case or control (PMID: 31422818). It was not observed in the large and broad cohorts of the Genome Aggregation Database (PMID: 32461654). The variant has been reported in ClinVar (Variation ID: 140902). In silico tools suggest the impact of the variant on protein function is deleterious, though these predictions have not been confirmed by functional studies. The evidence is insufficient to meet ACMG/AMP criteria for classifying the variant as benign or pathogenic. Thus, the clinical significance of this variant is currently uncertain.

Color Diagnostics, LLC DBA Color Health
Classification: Uncertain significance for Hereditary cancer-predisposing syndrome. Last evaluated: 2019-06-28. Review status: criteria provided, single submitter. Criteria: ACMG Guidelines, 2015. Collection method: clinical testing. Allele origin: germline.

Laboratory for Molecular Medicine, Mass General Brigham Personalized Medicine
Classification: Uncertain significance. Last evaluated: 2016-12-28. Review status: criteria provided, single submitter. Criteria: LMM Criteria. Collection method: clinical testing. Allele origin: germline. Observed: 1 variant allele.
Comment: The p.Glu308Lys variant in PMS2 has not been previously reported in individuals with colorectal cancer and was absent from large population studies. Computation al prediction tools and conservation analysis suggest that the p.Glu308Lys varia nt may impact the protein, though this information is not predictive enough to d etermine pathogenicity. In summary, the clinical significance of the p.Glu308Lys variant is uncertain.

Women's Health and Genetics/Laboratory Corporation of America, LabCorp
Classification: Uncertain significance. Last evaluated: 2016-09-06. Review status: criteria provided, single submitter. Criteria: LabCorp Variant Classification Summary - May 2015. Collection method: clinical testing. Allele origin: germline.
Comment: Variant summary: The c.922G>A (p.Glu308Lys) in PMS2 gene is a missense change that involves a highly conserved nucleotide and 4/5 in silico tools predict deleterious outcome. The variant of interest is absent from the control population dataset of ExAC and has not, to our knowledge, been reported in affected individuals via published reports. c.922G>A is listed as VUS by a reputable database/clinical laboratory without evidence to independently evaluate. Taking together, the variant was classified as VUS.

GeneDx
Classification: Uncertain significance. Last evaluated: 2015-04-28. Review status: criteria provided, single submitter. Criteria: GeneDx Variant Classification (06012015). Collection method: clinical testing. Allele origin: germline. Affected: yes.
Comment: This variant is denoted PMS2 c.922G>A at the cDNA level, p.Glu308Lys (E308K) at the protein level, and results in the change of a Glutamic Acid to a Lysine (GAG>AAG). This variant has not, to our knowledge, been published in the literature as pathogenic or benign. PMS2 Glu308Lys was not observed in approximately 6,500 individuals of European and African American ancestry in the NHLBI Exome Sequencing Project, indicating it is not a common benign variant in these populations. Since Glutamic Acid and Lysine differ in polarity, charge, size or other properties, this is considered a non-conservative amino acid substitution. PMS2 Glu308Lys occurs at a position that is conserved across species and is located in the ATPase domain (Fukui 2011). In silico analyses are inconsistent regarding the effect this variant may have on protein structure and function. Based on currently available information, it is unclear whether PMS2 Glu308Lys is pathogenic or benign. We consider it to be a variant of uncertain significance.

Literature cited by the submitters: PubMed 31422818 (cited by 3 submitters).